The following is an entry in ClinVar:

ClinVar aggregate classification (germline): Uncertain significance (1 of 4 stars; one submission).

Conditions:
GLI3-related disorder. Also called: GLI3-related condition; GLI3-related disorders. Identifiers: MedGen CN239292.

Submission:

PreventionGenetics, part of Exact Sciences
Classification: Uncertain significance for GLI3-related condition. Last evaluated: 2023-02-09. Review status: criteria provided, single submitter. Criteria: ACMG Guidelines, 2015. Collection method: clinical testing. Allele origin: germline.
Comment: The GLI3 c.1864A>C variant is predicted to result in the amino acid substitution p.Ser622Arg. To our knowledge, this variant has not been reported in the literature or in a large population database, indicating this variant is rare. At this time, the clinical significance of this variant is uncertain due to the absence of conclusive functional and genetic evidence.

NM_000168.6(GLI3):c.1864A>C (p.Ser622Arg)

Gene: GLI3 (GLI family zinc finger 3; minus strand). Cytogenetic location: 7p14.1.
Variant type: single nucleotide variant.
Coding change: c.1864A>C on transcript NM_000168.6 (MANE Select); coding-DNA position 1864, A replaced by C.
Protein change: p.Ser622Arg; replaces serine 622 with arginine.
Molecular consequence: missense variant.
Genome position (GRCh38, 1-based): chr7:41,972,576, T>G on the plus strand (A>C on the coding strand, the complement: GLI3 is on the minus strand). VCF-style: chr7-41972576-T-G. GRCh37 (hg19) VCF-style: chr7-42012175-T-G.
Other names: short protein forms S622R.
Identifiers: ClinVar variation 2630506 (VCV002630506.1), dbSNP rs2484419530, ClinGen allele CA367322699.